The following is an entry in ClinVar:

ClinVar aggregate classification (germline): Uncertain significance. Review status: criteria provided, multiple submitters, no conflicts (2 of 4 stars). 3 submissions from 3 submitters: Uncertain significance (3). Last evaluated 2026-02-01.

Conditions:
EAST syndrome (SESAMES). Also called: SEIZURES, SENSORINEURAL DEAFNESS, ATAXIA, IMPAIRED INTELLECTUAL DEVELOPMENT, AND ELECTROLYTE IMBALANCE. Identifiers: Orphanet 199343, MedGen C2748572, MONDO:0013005, OMIM 612780.
Inborn genetic diseases. Identifiers: MedGen C0950123, MeSH D030342.

Submissions (3):

Labcorp Genetics (formerly Invitae), Labcorp
Classification: Uncertain significance for EAST syndrome. Last evaluated: 2026-02-01. Review status: criteria provided, single submitter. Criteria: Invitae Variant Classification Sherloc (09022015). Collection method: clinical testing. Allele origin: germline.
Comment: This sequence change replaces valine, which is neutral and non-polar, with leucine, which is neutral and non-polar, at codon 336 of the KCNJ10 protein (p.Val336Leu). This variant is present in population databases (no rsID available, gnomAD 0.002%). This variant has not been reported in the literature in individuals affected with KCNJ10-related conditions. ClinVar contains an entry for this variant (Variation ID: 1057513). Invitae Evidence Modeling of protein sequence and biophysical properties (such as structural, functional, and spatial information, amino acid conservation, physicochemical variation, residue mobility, and thermodynamic stability) indicates that this missense variant is not expected to disrupt KCNJ10 protein function with a negative predictive value of 95%. In summary, the available evidence is currently insufficient to determine the role of this variant in disease. Therefore, it has been classified as a Variant of Uncertain Significance.

Ambry Genetics
Classification: Uncertain significance for Inborn genetic diseases. Last evaluated: 2025-10-18. Review status: criteria provided, single submitter. Criteria: Ambry Variant Classification Scheme 2023. Collection method: clinical testing. Allele origin: germline.

GeneDx
Classification: Uncertain significance. Last evaluated: 2021-04-14. Review status: criteria provided, single submitter. Criteria: GeneDx Variant Classification Process June 2021. Collection method: clinical testing. Allele origin: germline. Affected: yes.
Comment: Not observed at a significant frequency in large population cohorts (Lek et al., 2016); In silico analysis supports that this missense variant does not alter protein structure/function; In silico analysis, which includes splice predictors and evolutionary conservation, suggests this variant may impact gene splicing. In the absence of RNA/functional studies, the actual effect of this sequence change is unknown; Has not been previously published as pathogenic or benign to our knowledge

NM_002241.5(KCNJ10):c.1006G>C (p.Val336Leu)

Gene: KCNJ10 (potassium inwardly rectifying channel subfamily J member 10; minus strand). Cytogenetic location: 1q23.2.
Variant type: single nucleotide variant.
Coding change: c.1006G>C on transcript NM_002241.5 (MANE Select); coding-DNA position 1006, G replaced by C.
Protein change: p.Val336Leu; replaces valine 336 with leucine.
Molecular consequence: missense variant.
Genome position (GRCh38, 1-based): chr1:160,041,527, C>G on the plus strand (G>C on the coding strand, the complement: KCNJ10 is on the minus strand). VCF-style: chr1-160041527-C-G. GRCh37 (hg19) VCF-style: chr1-160011317-C-G.
Other names: short protein forms V336L.
Identifiers: ClinVar variation 1057513 (VCV001057513.12), dbSNP rs1085307763, ClinGen allele CA343222753.